The following is an entry in ClinVar:

ClinVar aggregate classification (germline): Uncertain significance (1 of 4 stars; one submission).

Allele frequency attached by ClinVar (database versions not stated): gnomAD exomes below 0.00001.
gnomAD v4.1: 1 of 1,613,906 alleles (0.000062%); highest among the groups gnomAD compares: Admixed American, 0.0017%; no homozygotes.

Submission:

GeneDx
Classification: Uncertain significance. Last evaluated: 2022-10-25. Review status: criteria provided, single submitter. Criteria: GeneDx Variant Classification Process June 2021. Collection method: clinical testing. Allele origin: germline. Affected: yes.
Comment: In silico analysis supports that this missense variant does not alter protein structure/function; Has not been previously published as pathogenic or benign to our knowledge

NM_003482.4(KMT2D):c.4721C>T (p.Pro1574Leu)

Gene: KMT2D (lysine methyltransferase 2D; minus strand). Cytogenetic location: 12q13.12.
Variant type: single nucleotide variant.
Coding change: c.4721C>T on transcript NM_003482.4 (MANE Select); coding-DNA position 4721, C replaced by T.
Protein change: p.Pro1574Leu; replaces proline 1574 with leucine.
Molecular consequence: missense variant.
Genome position (GRCh38, 1-based): chr12:49,045,940, G>A on the plus strand (C>T on the coding strand, the complement: KMT2D is on the minus strand). VCF-style: chr12-49045940-G-A. GRCh37 (hg19) VCF-style: chr12-49439723-G-A.
Other names: short protein forms P1574L.
Identifiers: ClinVar variation 2500634 (VCV002500634.1), dbSNP rs1487735574, ClinGen allele CA384643801.